The following is an entry in ClinVar:

NM_001080.3(ALDH5A1):c.79C>G (p.Arg27Gly)

Genes: GPLD1 (glycosylphosphatidylinositol specific phospholipase D1; minus strand), ALDH5A1 (aldehyde dehydrogenase 5 family member A1; plus strand), LOC129995978 (ATAC-STARR-seq lymphoblastoid silent region 16989; plus strand). Cytogenetic location: 6p22.3.
Variant type: single nucleotide variant.
Coding change: c.79C>G on transcript NM_001080.3 (MANE Select); coding-DNA position 79, C replaced by G.
Protein change: p.Arg27Gly; replaces arginine 27 with glycine.
Molecular consequence: missense variant.
Genome position (GRCh38, 1-based): chr6:24,495,075, C>G. VCF-style: chr6-24495075-C-G. GRCh37 (hg19) VCF-style: chr6-24495303-C-G.
Other names: c.79C>G, p.Arg27Gly (NM_001368954.1, NM_170740.1); short protein forms R27G.
Identifiers: ClinVar variation 848219 (VCV000848219.12), dbSNP rs779798309, ClinGen allele CA136122133.

ClinVar aggregate classification (germline): Conflicting classifications of pathogenicity. Review status: criteria provided, conflicting classifications (1 of 4 stars). 2 submissions from 2 submitters: Uncertain significance (1); Likely benign (1). Last evaluated 2025-03-04.

Conditions:
Succinate-semialdehyde dehydrogenase deficiency (SSADHD). Also called: Succinic Semialdehyde Dehydrogenase Deficiency; SSADH DEFICIENCY; 4-HYDROXYBUTYRIC ACIDURIA; GABA METABOLIC DEFECT. Identifiers: Orphanet 22, MedGen C0268631, MONDO:0010083, OMIM 271980.

Allele frequency attached by ClinVar (database versions not stated): TOPMed 0.00004; 1000 Genomes Project 30x 0.00047.
gnomAD v4.1: 17 of 1,323,684 alleles (0.0013%); highest among the groups gnomAD compares: African/African-American, 0.023%; no homozygotes.

Submissions (2):

Labcorp Genetics (formerly Invitae), Labcorp
Classification: Likely benign for Succinate-semialdehyde dehydrogenase deficiency. Last evaluated: 2025-03-04. Review status: criteria provided, single submitter. Criteria: Invitae Variant Classification Sherloc (09022015). Collection method: clinical testing. Allele origin: germline.

GeneDx
Classification: Uncertain significance. Last evaluated: 2020-02-12. Review status: criteria provided, single submitter. Criteria: GeneDx Variant Classification Process June 2021. Collection method: clinical testing. Allele origin: germline. Affected: yes.
Comment: In silico analysis supports that this missense variant does not alter protein structure/function; Has not been previously published as pathogenic or benign to our knowledge